The following is an entry in ClinVar:

NM_001010892.3(RSPH4A):c.512C>T (p.Ala171Val)

Gene: RSPH4A (radial spoke head component 4A; plus strand). Cytogenetic location: 6q22.1.
Variant type: single nucleotide variant.
Coding change: c.512C>T on transcript NM_001010892.3 (MANE Select); coding-DNA position 512, C replaced by T.
Protein change: p.Ala171Val; replaces alanine 171 with valine.
Molecular consequence: missense variant.
Genome position (GRCh38, 1-based): chr6:116,617,135, C>T. VCF-style: chr6-116617135-C-T. GRCh37 (hg19) VCF-style: chr6-116938298-C-T.
Other names: c.512C>T, p.Ala171Val (NM_001161664.2); short protein forms A171V.
Identifiers: ClinVar variation 2099866 (VCV002099866.4), dbSNP rs2482778678, ClinGen allele CA365394057.

ClinVar aggregate classification (germline): Uncertain significance (1 of 4 stars; one submission).

Conditions:
Primary ciliary dyskinesia. Also called: Ciliary dyskinesia. Identifiers: Orphanet 244, MedGen C0008780, MONDO:0016575, HP:0012265.

Allele frequency attached by ClinVar (database versions not stated): gnomAD exomes below 0.00001.
gnomAD v4.1: 1 of 1,614,194 alleles (0.000062%); highest among the groups gnomAD compares: East Asian, 0.0022%; no homozygotes.

Submission:

Labcorp Genetics (formerly Invitae), Labcorp
Classification: Uncertain significance for Primary ciliary dyskinesia. Last evaluated: 2022-02-20. Review status: criteria provided, single submitter. Criteria: Invitae Variant Classification Sherloc (09022015). Collection method: clinical testing. Allele origin: germline.
Comment: This variant has not been reported in the literature in individuals affected with RSPH4A-related conditions. This variant is not present in population databases (gnomAD no frequency). This sequence change replaces alanine, which is neutral and non-polar, with valine, which is neutral and non-polar, at codon 171 of the RSPH4A protein (p.Ala171Val). Algorithms developed to predict the effect of missense changes on protein structure and function (SIFT, PolyPhen-2, Align-GVGD) all suggest that this variant is likely to be tolerated. In summary, the available evidence is currently insufficient to determine the role of this variant in disease. Therefore, it has been classified as a Variant of Uncertain Significance.